The following is an entry in ClinVar:

NM_004519.4(KCNQ3):c.1496_1501dup (p.Arg500_Gly501insAspArg)

Gene: KCNQ3 (potassium voltage-gated channel subfamily Q member 3; minus strand). Cytogenetic location: 8q24.22.
Variant type: Duplication.
Coding change: c.1496_1501dup on transcript NM_004519.4 (MANE Select); coding-DNA positions 1496 to 1501, 6 bases duplicated (ACAGGG; older notation c.1496_1501dupACAGGG).
Protein change: p.Arg500_Gly501insAspArg.
Molecular consequence: inframe insertion.
Genome position (GRCh38, 1-based): chr8:132,140,143-132,140,148, CCCTGT duplicated on the plus strand (ACAGGG on the coding strand, the reverse complement: KCNQ3 is on the minus strand); duplicating any 6 consecutive bases within chr8:132,140,143-132,140,149 gives the same sequence; the c. name uses the placement nearest the transcript's 3' end. VCF-style (leftmost placement, unchanged base first): chr8-132140142-C-CCCCTGT. GRCh37 (hg19) VCF-style: chr8-133152389-C-CCCCTGT.
Other names: c.1136_1141dup, p.Arg380_Gly381insAspArg (NM_001204824.2).
Identifiers: ClinVar variation 2738617 (VCV002738617.3), dbSNP rs761094315, ClinGen allele CA4880679.

ClinVar aggregate classification (germline): Uncertain significance (1 of 4 stars; one submission).

Conditions:
Benign neonatal seizures. Also called: Benign familial neonatal epilepsy; Benign familial neonatal seizures; Convulsions benign familial neonatal dominant form; Autosomal dominant form of benign neonatal seizures; Benign neonatal familial convulsions. Identifiers: Orphanet 1949, MedGen C0220669, MONDO:0016027.

Submission:

Labcorp Genetics (formerly Invitae), Labcorp
Classification: Uncertain significance for Benign neonatal seizures. Last evaluated: 2025-12-06. Review status: criteria provided, single submitter. Criteria: Invitae Variant Classification Sherloc (09022015). Collection method: clinical testing. Allele origin: germline.
Comment: This variant, c.1496_1501dup, results in the insertion of 2 amino acid(s) of the KCNQ3 protein (p.Asp499_Arg500dup), but otherwise preserves the integrity of the reading frame. This variant is present in population databases (rs761094315, gnomAD 0.0009%). This variant has not been reported in the literature in individuals affected with KCNQ3-related conditions. ClinVar contains an entry for this variant (Variation ID: 2738617). In summary, the available evidence is currently insufficient to determine the role of this variant in disease. Therefore, it has been classified as a Variant of Uncertain Significance.